The following is an entry in ClinVar:

ClinVar aggregate classification (germline): Likely pathogenic (1 of 4 stars; one submission).

Conditions:
Neurodevelopmental disorder. Identifiers: MedGen C1535926, MeSH D065886, MONDO:0700092.

Submission:

Victorian Clinical Genetics Services, Murdoch Childrens Research Institute
Classification: Likely pathogenic for Neurodevelopmental disorder. Last evaluated: 2022-06-24. Review status: criteria provided, single submitter. Criteria: ACMG Guidelines, 2015. Collection method: clinical testing. Allele origin: germline. Inheritance: Autosomal dominant inheritance. Affected: yes.
Comment: Based on the classification scheme VCGS_Germline_v1.3.4, this variant is classified as Likely pathogenic. Following criteria are met: 0102 - Loss of function is a known mechanism of disease in this gene and is associated with neurodevelopmental disorder, ARHGAP35-related (MONDO#0700092). (I) 0107 - This gene is associated with autosomal dominant disease. (I) 0201 - Variant is predicted to cause nonsense-mediated decay (NMD) and loss of protein (premature termination codon is located at least 54 nucleotides upstream of the final exon-exon junction). (SP) 0251 - This variant is heterozygous. (I) 0301 - Variant is absent from gnomAD (both v2 and v3). (SP) 0702 - Other NMD-predicted variants comparable to the one identified in this case have strong previous evidence for pathogenicity. At least five other NMD-predicted variants have been reported (VCGS internal cohort; PMID: 33057194). (SP) 0807 - This variant has no previous evidence of pathogenicity. (I) 0905 - No published segregation evidence has been identified for this variant. (I) 1007 - No published functional evidence has been identified for this variant. (I) 1208 - Inheritance information for this variant is not currently available in this individual. (I) Legend: (SP) - Supporting pathogenic, (I) - Information, (SB) - Supporting benign

Literature cited by the submitters: PubMed 33057194.

NM_004491.5(ARHGAP35):c.1600C>T (p.Gln534Ter)

Gene: ARHGAP35 (Rho GTPase activating protein 35; plus strand). Cytogenetic location: 19q13.32.
Variant type: single nucleotide variant.
Coding change: c.1600C>T on transcript NM_004491.5 (MANE Select); coding-DNA position 1600, C replaced by T.
Protein change: p.Gln534Ter; replaces glutamine 534 with a stop codon.
Molecular consequence: nonsense.
Genome position (GRCh38, 1-based): chr19:46,920,275, C>T. VCF-style: chr19-46920275-C-T. GRCh37 (hg19) VCF-style: chr19-47423532-C-T.
Other names: short protein forms Q534*.
Identifiers: ClinVar variation 1699373 (VCV001699373.3), dbSNP rs2056190516, ClinGen allele CA406506559.
Genomic context (GRCh38, chr19:46,920,275, plus strand): 5'-AAGGAGAAGATGGGTGTTATTCAGGATGTTCTGGGAGAGGAACAGCGATTTAAAGCATTA[C>T]AAAAGCTCCAAGCAGAGCGTGATGCCCTTATTCTGAAACACATTCATTTTGTGTACCACC-3'